The following is an entry in ClinVar:

ClinVar aggregate classification (germline): Likely benign. Review status: reviewed by expert panel (3 of 4 stars). 4 submissions from 4 submitters: Likely benign (1). 3 of the submissions do not count toward it. Last evaluated 2017-06-29.

Conditions:
Breast-ovarian cancer, familial, susceptibility to, 1 (BROVCA1). Also called: BRCA1 Hereditary Breast and Ovarian Cancer; OVARIAN CANCER, SUSCEPTIBILITY TO. Identifiers: Orphanet 145, MedGen C2676676, MONDO:0011450, OMIM 604370. Disease mechanism: loss of function.
Hereditary cancer-predisposing syndrome. Also called: Tumor predisposition; Hereditary Cancer Syndrome; Neoplastic Syndromes, Hereditary; Hereditary neoplastic syndrome. Identifiers: Orphanet 140162, MedGen C0027672, MeSH D009386, MONDO:0015356.
Hereditary breast ovarian cancer syndrome. Also called: Breast and ovarian cancer; Hereditary breast and ovarian cancer; Hereditary breast and ovarian cancer syndrome; Hereditary breast and/or ovarian cancer syndrome; BRCA1- and BRCA2-Associated Hereditary Breast and Ovarian Cancer; Hereditary breast and ovarian cancer syndrome (HBOC). Identifiers: Orphanet 145, MedGen C0677776, MeSH D061325, MONDO:0003582. Disease mechanism: loss of function.

Submissions (4):

Evidence-based Network for the Interpretation of Germline Mutant Alleles (ENIGMA)
Classification: Likely benign for Breast-ovarian cancer, familial, susceptibility to, 1. Last evaluated: 2017-06-29. Review status: reviewed by expert panel. Criteria: ENIGMA BRCA1/2 Classification Criteria (2017-06-29). Collection method: curation. Allele origin: germline.
Comment: Synonymous substitution variant, with low bioinformatic likelihood to result in a splicing aberration (Splicing prior probability 0.02).

Labcorp Genetics (formerly Invitae), Labcorp
Classification: Likely benign for Hereditary breast ovarian cancer syndrome. Last evaluated: 2025-04-09. Review status: criteria provided, single submitter. Criteria: Invitae Variant Classification Sherloc (09022015). Collection method: clinical testing. Allele origin: germline. Not counted in ClinVar's aggregate classification.

Women's Health and Genetics/Laboratory Corporation of America, LabCorp
Classification: Likely benign. Last evaluated: 2023-10-04. Review status: criteria provided, single submitter. Criteria: LabCorp Variant Classification Summary - May 2015. Collection method: clinical testing. Allele origin: germline. Not counted in ClinVar's aggregate classification.

Ambry Genetics
Classification: Likely benign for Hereditary cancer-predisposing syndrome. Last evaluated: 2015-03-06. Review status: criteria provided, single submitter. Criteria: Ambry Variant Classification Scheme 2023. Collection method: clinical testing. Allele origin: germline. Not counted in ClinVar's aggregate classification.

NM_007294.4(BRCA1):c.2745T>G (p.Ser915=)

Gene: BRCA1 (BRCA1 DNA repair associated; minus strand). Cytogenetic location: 17q21.31.
Variant type: single nucleotide variant.
Coding change: c.2745T>G on transcript NM_007294.4 (MANE Select); coding-DNA position 2745, T replaced by G.
Protein change: p.Ser915=; no amino-acid change (serine 915 retained).
Molecular consequence: synonymous variant. On other transcripts: intron variant (137).
Genome position (GRCh38, 1-based): chr17:43,092,786, A>C on the plus strand (T>G on the coding strand, the complement: BRCA1 is on the minus strand). VCF-style: chr17-43092786-A-C. GRCh37 (hg19) VCF-style: chr17-41244803-A-C.
Other names: c.2742T>G, p.Ser914= (NM_001407631.1, NM_001407632.1, NM_001407633.1 and 22 more transcripts); c.2745T>G, p.Ser915= (NM_001407639.1, NM_001407640.1, NM_001407641.1 and 30 more transcripts); c.2736T>G, p.Ser912= (NM_001407646.1, NM_001407647.1); c.2622T>G, p.Ser874= (NM_001407648.1, NM_001407664.1, NM_001407665.1 and 19 more transcripts); c.2619T>G, p.Ser873= (NM_001407649.1, NM_001407670.1, NM_001407671.1 and 11 more transcripts); c.2667T>G, p.Ser889= (NM_001407653.1, NM_001407654.1, NM_001407655.1 and 4 more transcripts); c.2664T>G, p.Ser888= (NM_001407659.1, NM_001407660.1, NM_001407661.1 and 1 more transcripts); c.2604T>G, p.Ser868= (NM_001407692.1, NM_001407694.1, NM_001407695.1 and 29 more transcripts); and 41 more.
Identifiers: ClinVar variation 230753 (VCV000230753.14), dbSNP rs876658748, ClinGen allele CA10580600.